The following is an entry in ClinVar:

ClinVar aggregate classification (germline): Uncertain significance (1 of 4 stars; one submission).

gnomAD v4.1: 1 of 1,612,332 alleles (0.000062%); highest among the groups gnomAD compares: African/African-American, 0.0013%; no homozygotes.

Submission:

Labcorp Genetics (formerly Invitae), Labcorp
Classification: Uncertain significance. Last evaluated: 2025-11-29. Review status: criteria provided, single submitter. Criteria: Invitae Variant Classification Sherloc (09022015). Collection method: clinical testing. Allele origin: germline.
Comment: This sequence change replaces aspartic acid, which is acidic and polar, with glycine, which is neutral and non-polar, at codon 258 of the LOX protein (p.Asp258Gly). This variant is not present in population databases (gnomAD no frequency). This variant has not been reported in the literature in individuals affected with LOX-related conditions. Invitae Evidence Modeling of protein sequence and biophysical properties (such as structural, functional, and spatial information, amino acid conservation, physicochemical variation, residue mobility, and thermodynamic stability) has been performed for this missense variant. However, the output from this modeling did not meet the statistical confidence thresholds required to predict the impact of this variant on LOX protein function. In summary, the available evidence is currently insufficient to determine the role of this variant in disease. Therefore, it has been classified as a Variant of Uncertain Significance.

NM_002317.7(LOX):c.773A>G (p.Asp258Gly)

Genes: SRFBP1 (serum response factor binding protein 1; plus strand), LOX (lysyl oxidase; minus strand). Cytogenetic location: 5q23.1.
Variant type: single nucleotide variant.
Coding change: c.773A>G on transcript NM_002317.7 (MANE Select); coding-DNA position 773, A replaced by G.
Protein change: p.Asp258Gly; replaces aspartic acid 258 with glycine.
Molecular consequence: missense variant. On other transcripts: 5 prime UTR variant (1).
Genome position (GRCh38, 1-based): chr5:122,075,509, T>C on the plus strand (A>G on the coding strand, the complement: LOX is on the minus strand). VCF-style: chr5-122075509-T-C. GRCh37 (hg19) VCF-style: chr5-121411204-T-C.
Other names: c.83A>G, p.Asp28Gly (NM_001178102.2); c.-119A>G (NM_001317073.1); short protein forms D258G, D28G.
Identifiers: ClinVar variation 4812191 (VCV004812191.1).